The following is an entry in ClinVar:

ClinVar aggregate classification (germline): Uncertain significance. Review status: criteria provided, multiple submitters, no conflicts (2 of 4 stars). 2 submissions from 2 submitters: Uncertain significance (2). Last evaluated 2023-12-26.

Allele frequency attached by ClinVar (database versions not stated): gnomAD exomes below 0.00001; TOPMed below 0.00001; ExAC 0.00001; gnomAD 0.00001.
gnomAD v4.1: 8 of 1,614,092 alleles (0.0005%); highest among the groups gnomAD compares: Non-Finnish European, 0.00068%; no homozygotes.

Submissions (2):

Ambry Genetics
Classification: Uncertain significance. Last evaluated: 2023-12-26. Review status: criteria provided, single submitter. Criteria: Ambry Variant Classification Scheme 2023. Collection method: clinical testing. Allele origin: germline.

Labcorp Genetics (formerly Invitae), Labcorp
Classification: Uncertain significance. Last evaluated: 2022-12-02. Review status: criteria provided, single submitter. Criteria: Invitae Variant Classification Sherloc (09022015). Collection method: clinical testing. Allele origin: germline.
Comment: This sequence change replaces isoleucine, which is neutral and non-polar, with valine, which is neutral and non-polar, at codon 623 of the ROR1 protein (p.Ile623Val). This variant is present in population databases (rs752982447, gnomAD 0.0009%). This variant has not been reported in the literature in individuals affected with ROR1-related conditions. ClinVar contains an entry for this variant (Variation ID: 1469701). Algorithms developed to predict the effect of missense changes on protein structure and function (SIFT, PolyPhen-2, Align-GVGD) all suggest that this variant is likely to be tolerated. In summary, the available evidence is currently insufficient to determine the role of this variant in disease. Therefore, it has been classified as a Variant of Uncertain Significance.

NM_005012.4(ROR1):c.1867A>G (p.Ile623Val)

Gene: ROR1 (receptor tyrosine kinase like orphan receptor 1; plus strand). Cytogenetic location: 1p31.3.
Variant type: single nucleotide variant.
Coding change: c.1867A>G on transcript NM_005012.4 (MANE Select); coding-DNA position 1867, A replaced by G.
Protein change: p.Ile623Val; replaces isoleucine 623 with valine.
Molecular consequence: missense variant.
Genome position (GRCh38, 1-based): chr1:64,177,908, A>G. VCF-style: chr1-64177908-A-G. GRCh37 (hg19) VCF-style: chr1-64643591-A-G.
Other names: c.1867A>G (NM_005012.2); short protein forms I623V.
Identifiers: ClinVar variation 1469701 (VCV001469701.7), dbSNP rs752982447, ClinGen allele CA890341.